The following is an entry in ClinVar:

ClinVar aggregate classification (germline): Benign (1 of 4 stars; one submission).

Allele frequency attached by ClinVar (database versions not stated): gnomAD exomes 0.40545; TOPMed 0.47881; gnomAD 0.48440; 1000 Genomes Project 30x 0.51983; 1000 Genomes Project 0.52157.
gnomAD v4.1: 644,029 of 1,556,802 alleles (41%); highest among the groups gnomAD compares: African/African-American, 66%; 137,612 homozygotes.

Submission:

Unidad de Genómica Garrahan, Hospital de Pediatría Garrahan
Classification: Benign. Last evaluated: 2024-01-24. Review status: criteria provided, single submitter. Criteria: ACMG Guidelines, 2015. Collection method: clinical testing. Allele origin: germline. Affected: no. Observed: 37 variant alleles.
Comment: This variant is classified as Benign based on local population frequency. This variant was detected in 39% of patients studied by a panel of primary immunodeficiencies. Number of patients: 37. Only high quality variants are reported.

NM_004946.3(DOCK2):c.5167-100A>G

Gene: DOCK2 (dedicator of cytokinesis 2; plus strand). Cytogenetic location: 5q35.1.
Variant type: single nucleotide variant.
Coding change: c.5167-100A>G on transcript NM_004946.3 (MANE Select); 100 bases into the intron before coding-DNA position 5167, A replaced by G.
Molecular consequence: intron variant.
Genome position (GRCh38, 1-based): chr5:170,080,063, A>G. VCF-style: chr5-170080063-A-G. GRCh37 (hg19) VCF-style: chr5-169507067-A-G.
Identifiers: ClinVar variation 2688189 (VCV002688189.2), dbSNP rs9885452, ClinGen allele CA12016276.